The following is an entry in ClinVar:

ClinVar aggregate classification (germline): Uncertain significance. Review status: criteria provided, multiple submitters, no conflicts (2 of 4 stars). 2 submissions from 2 submitters: Uncertain significance (2). Last evaluated 2025-06-29.

Allele frequency attached by ClinVar (database versions not stated): gnomAD exomes 0.00003 and 0.00008; ExAC 0.00016; gnomAD 0.00020 and 0.00026; TOPMed 0.00022; ESP Exome Variant Server 0.00038.
gnomAD v4.1: 74 of 1,590,298 alleles (0.0047%); highest among the groups gnomAD compares: African/African-American, 0.097%; no homozygotes.

Submissions (2):

Labcorp Genetics (formerly Invitae), Labcorp
Classification: Uncertain significance. Last evaluated: 2025-06-29. Review status: criteria provided, single submitter. Criteria: Invitae Variant Classification Sherloc (09022015). Collection method: clinical testing. Allele origin: germline.
Comment: This sequence change replaces isoleucine, which is neutral and non-polar, with valine, which is neutral and non-polar, at codon 173 of the VAV1 protein (p.Ile173Val). This variant is present in population databases (rs138608402, gnomAD 0.1%), and has an allele count higher than expected for a pathogenic variant. This variant has not been reported in the literature in individuals affected with VAV1-related conditions. ClinVar contains an entry for this variant (Variation ID: 1442177). An algorithm developed to predict the effect of missense changes on protein structure and function outputs the following: PolyPhen-2: "Benign". The valine amino acid residue is found in multiple mammalian species, which suggests that this missense change does not adversely affect protein function. In summary, the available evidence is currently insufficient to determine the role of this variant in disease. Therefore, it has been classified as a Variant of Uncertain Significance.

Ambry Genetics
Classification: Uncertain significance. Last evaluated: 2021-09-15. Review status: criteria provided, single submitter. Criteria: Ambry Variant Classification Scheme 2023. Collection method: clinical testing. Allele origin: germline.

NM_005428.4(VAV1):c.517A>G (p.Ile173Val)

Gene: VAV1 (vav guanine nucleotide exchange factor 1; plus strand). Cytogenetic location: 19p13.3.
Variant type: single nucleotide variant.
Coding change: c.517A>G on transcript NM_005428.4 (MANE Select); coding-DNA position 517, A replaced by G.
Protein change: p.Ile173Val; replaces isoleucine 173 with valine.
Molecular consequence: missense variant.
Genome position (GRCh38, 1-based): chr19:6,822,288, A>G. VCF-style: chr19-6822288-A-G. GRCh37 (hg19) VCF-style: chr19-6822299-A-G.
Other names: c.517A>G (NM_005428.2); c.517A>G, p.Ile173Val (NM_001258206.2, NM_001258207.2); short protein forms I173V.
Identifiers: ClinVar variation 1442177 (VCV001442177.9), dbSNP rs138608402, ClinGen allele CA9132255.